The following is an entry in ClinVar:

NM_000868.4(HTR2C):c.172C>T (p.Leu58Phe)

Gene: HTR2C (5-hydroxytryptamine receptor 2C; plus strand). Cytogenetic location: Xq23.
Variant type: single nucleotide variant.
Coding change: c.172C>T on transcript NM_000868.4 (MANE Select); coding-DNA position 172, C replaced by T.
Protein change: p.Leu58Phe; replaces leucine 58 with phenylalanine.
Molecular consequence: missense variant.
Genome position (GRCh38, 1-based): chrX:114,731,430, C>T. VCF-style: chrX-114731430-C-T. GRCh37 (hg19) VCF-style: chrX-113965839-C-T.
Other names: c.172C>T, p.Leu58Phe (NM_001256760.3, NM_001256761.3); short protein forms L58F.
Identifiers: ClinVar variation 2636223 (VCV002636223.3), dbSNP rs1448152418, ClinGen allele CA414318082.

ClinVar aggregate classification (germline): Uncertain significance (0 of 4 stars; one submission).

Conditions:
HTR2C-related disorder. Also called: HTR2C-related condition.

Allele frequency attached by ClinVar (database versions not stated): gnomAD exomes below 0.00001; gnomAD 0.00001; TOPMed 0.00001.
gnomAD v4.1: 4 of 1,208,306 alleles (0.00033%); highest among the groups gnomAD compares: Non-Finnish European, 0.00034%; no homozygotes.

Submission:

PreventionGenetics, part of Exact Sciences
Classification: Uncertain significance for HTR2C-related condition. Last evaluated: 2024-02-19. Review status: no assertion criteria provided. Collection method: clinical testing. Allele origin: germline.
Comment: The HTR2C c.172C>T variant is predicted to result in the amino acid substitution p.Leu58Phe. To our knowledge, this variant has not been reported in the literature. This variant is reported in 0.0011% of alleles in individuals of European (Non-Finnish) descent in gnomAD. At this time, the clinical significance of this variant is uncertain due to the absence of conclusive functional and genetic evidence.